The following is an entry in ClinVar:

ClinVar aggregate classification (germline): Uncertain significance. Review status: criteria provided, multiple submitters, no conflicts (2 of 4 stars). 2 submissions from 2 submitters: Uncertain significance (2). Last evaluated 2024-03-27.

Conditions:
Tietz syndrome (TADS). Also called: ALBINISM-DEAFNESS OF TIETZ; TIETZ ALBINISM-DEAFNESS SYNDROME; HYPOPIGMENTATION/DEAFNESS OF TIETZ. Identifiers: Orphanet 42665, MedGen C0391816, MONDO:0007077, OMIM 103500.
Waardenburg syndrome type 2A (WS2A). Also called: WAARDENBURG SYNDROME WITHOUT DYSTOPIA CANTHORUM. Identifiers: Orphanet 3440, MedGen C1860339, MONDO:0008671, OMIM 193510.
Melanoma, cutaneous malignant, susceptibility to, 8. Also called: MELANOMA AND RENAL CELL CARCINOMA, SUSCEPTIBILITY TO; Cutaneous malignant melanoma 8. Identifiers: Orphanet 293822, MedGen C3152204, MONDO:0013759, OMIM 614456.

Submissions (2):

GeneDx
Classification: Uncertain significance. Last evaluated: 2024-03-27. Review status: criteria provided, single submitter. Criteria: GeneDx Variant Classification Process June 2021. Collection method: clinical testing. Allele origin: germline. Affected: yes.
Comment: Not observed at significant frequency in large population cohorts (gnomAD); In silico analysis supports that this missense variant does not alter protein structure/function; Has not been previously published as pathogenic or benign to our knowledge

Labcorp Genetics (formerly Invitae), Labcorp
Classification: Uncertain significance for Melanoma, cutaneous malignant, susceptibility to, 8; Waardenburg syndrome type 2A; Tietz syndrome. Last evaluated: 2024-02-28. Review status: criteria provided, single submitter. Criteria: Invitae Variant Classification Sherloc (09022015). Collection method: clinical testing. Allele origin: germline.
Comment: This sequence change replaces leucine, which is neutral and non-polar, with phenylalanine, which is neutral and non-polar, at codon 137 of the MITF protein (p.Leu137Phe). This variant is not present in population databases (gnomAD no frequency). This variant has not been reported in the literature in individuals affected with MITF-related conditions. Advanced modeling of protein sequence and biophysical properties (such as structural, functional, and spatial information, amino acid conservation, physicochemical variation, residue mobility, and thermodynamic stability) performed at Invitae indicates that this missense variant is not expected to disrupt MITF protein function with a negative predictive value of 80%. In summary, the available evidence is currently insufficient to determine the role of this variant in disease. Therefore, it has been classified as a Variant of Uncertain Significance.

NM_001354604.2(MITF):c.732G>C (p.Leu244Phe)

Gene: MITF (melanocyte inducing transcription factor; plus strand). Cytogenetic location: 3p13.
Variant type: single nucleotide variant.
Coding change: c.732G>C on transcript NM_001354604.2 (MANE Select); coding-DNA position 732, G replaced by C.
Protein change: p.Leu244Phe; replaces leucine 244 with phenylalanine.
Molecular consequence: missense variant.
Genome position (GRCh38, 1-based): chr3:69,941,301, G>C. VCF-style: chr3-69941301-G-C. GRCh37 (hg19) VCF-style: chr3-69990452-G-C.
Other names: c.411G>C, p.Leu137Phe (NM_000248.4, NM_198158.3); c.576G>C, p.Leu192Phe (NM_001184967.2, NM_001354608.2); c.729G>C, p.Leu243Phe (NM_001354605.2, NM_001354606.2, NM_006722.3); c.681G>C, p.Leu227Phe (NM_001354607.2); c.732G>C, p.Leu244Phe (NM_198159.3); c.684G>C, p.Leu228Phe (NM_198177.3); c.243G>C, p.Leu81Phe (NM_198178.3); short protein forms L137F, L192F, L227F, L228F, L243F, L244F, L81F.
Identifiers: ClinVar variation 3371684 (VCV003371684.3).